The following is an entry in ClinVar:

ClinVar aggregate classification (germline): Uncertain significance (1 of 4 stars; one submission).

gnomAD v4.1: 7 of 1,611,484 alleles (0.00043%); highest among the groups gnomAD compares: Non-Finnish European, 0.00059%; no homozygotes.

Submission:

Labcorp Genetics (formerly Invitae), Labcorp
Classification: Uncertain significance. Last evaluated: 2025-11-19. Review status: criteria provided, single submitter. Criteria: Invitae Variant Classification Sherloc (09022015). Collection method: clinical testing. Allele origin: germline.
Comment: This sequence change replaces proline, which is neutral and non-polar, with serine, which is neutral and polar, at codon 36 of the NAF1 protein (p.Pro36Ser). This variant is present in population databases (rs768892856, gnomAD 0.0009%). This variant has not been reported in the literature in individuals affected with NAF1-related conditions. An algorithm developed to predict the effect of missense changes on protein structure and function (PolyPhen-2) suggests that this variant is likely to be tolerated. In summary, the available evidence is currently insufficient to determine the role of this variant in disease. Therefore, it has been classified as a Variant of Uncertain Significance.

NM_138386.3(NAF1):c.106C>T (p.Pro36Ser)

Gene: NAF1 (nuclear assembly factor 1 ribonucleoprotein; minus strand). Cytogenetic location: 4q32.2.
Variant type: single nucleotide variant.
Coding change: c.106C>T on transcript NM_138386.3 (MANE Select); coding-DNA position 106, C replaced by T.
Protein change: p.Pro36Ser; replaces proline 36 with serine.
Molecular consequence: missense variant.
Genome position (GRCh38, 1-based): chr4:163,166,622, G>A on the plus strand (C>T on the coding strand, the complement: NAF1 is on the minus strand). VCF-style: chr4-163166622-G-A. GRCh37 (hg19) VCF-style: chr4-164087774-G-A.
Other names: c.106C>T, p.Pro36Ser (NM_001128931.2); short protein forms P36S.
Identifiers: ClinVar variation 4698971 (VCV004698971.1).